The following is an entry in ClinVar:

ClinVar aggregate classification (germline): Uncertain significance. Review status: criteria provided, multiple submitters, no conflicts (2 of 4 stars). 2 submissions from 2 submitters: Uncertain significance (2). Last evaluated 2024-11-15.

Allele frequency attached by ClinVar (database versions not stated): gnomAD exomes below 0.00001; gnomAD 0.00001; TOPMed 0.00005.
gnomAD v4.1: 3 of 1,607,446 alleles (0.00019%); highest among the groups gnomAD compares: Admixed American, 0.0033%; no homozygotes.

Submissions (2):

Labcorp Genetics (formerly Invitae), Labcorp
Classification: Uncertain significance. Last evaluated: 2024-11-15. Review status: criteria provided, single submitter. Criteria: Invitae Variant Classification Sherloc (09022015). Collection method: clinical testing. Allele origin: germline.
Comment: This sequence change replaces serine, which is neutral and polar, with isoleucine, which is neutral and non-polar, at codon 5 of the MAP3K8 protein (p.Ser5Ile). This variant is not present in population databases (gnomAD no frequency). This variant has not been reported in the literature in individuals affected with MAP3K8-related conditions. ClinVar contains an entry for this variant (Variation ID: 3123032). An algorithm developed to predict the effect of missense changes on protein structure and function (PolyPhen-2) suggests that this variant is likely to be disruptive. In summary, the available evidence is currently insufficient to determine the role of this variant in disease. Therefore, it has been classified as a Variant of Uncertain Significance.

Ambry Genetics
Classification: Uncertain significance. Last evaluated: 2023-11-15. Review status: criteria provided, single submitter. Criteria: Ambry Variant Classification Scheme 2023. Collection method: clinical testing. Allele origin: germline.

NM_005204.4(MAP3K8):c.14G>T (p.Ser5Ile)

Gene: MAP3K8 (mitogen-activated protein kinase kinase kinase 8; plus strand). Cytogenetic location: 10p11.23.
Variant type: single nucleotide variant.
Coding change: c.14G>T on transcript NM_005204.4 (MANE Select); coding-DNA position 14, G replaced by T.
Protein change: p.Ser5Ile; replaces serine 5 with isoleucine.
Molecular consequence: missense variant.
Genome position (GRCh38, 1-based): chr10:30,438,952, G>T. VCF-style: chr10-30438952-G-T. GRCh37 (hg19) VCF-style: chr10-30727881-G-T.
Other names: c.14G>T, p.Ser5Ile (NM_001244134.1, NM_001320961.2); short protein forms S5I.
Identifiers: ClinVar variation 3123032 (VCV003123032.3), dbSNP rs1016753845, ClinGen allele CA205307067.